The following is an entry in ClinVar:

NM_000059.4(BRCA2):c.4319_4320del (p.Lys1440fs)

Gene: BRCA2 (BRCA2 DNA repair associated; plus strand). Cytogenetic location: 13q13.1.
Variant type: Deletion.
Coding change: c.4319_4320del on transcript NM_000059.4 (MANE Select); coding-DNA positions 4319 to 4320, 2 bases deleted (AA; older notation c.4319_4320delAA).
Protein change: p.Lys1440fs; shifts the reading frame from lysine 1440.
Molecular consequence: frameshift variant.
Genome position (GRCh38, 1-based): chr13:32,338,674-32,338,675, AA deleted; deleting any 2 consecutive bases within chr13:32,338,673-32,338,675 gives the same sequence; the c. name uses the placement nearest the transcript's 3' end. VCF-style (leftmost placement, unchanged base first): chr13-32338672-CAA-C. GRCh37 (hg19) VCF-style: chr13-32912809-CAA-C.
Other names: 4547delAA; c.4319_4320delAA (NM_000059.3).
Identifiers: ClinVar variation 37894 (VCV000037894.9), dbSNP rs397507328, ClinGen allele CA019975.

ClinVar aggregate classification (germline): Pathogenic. Review status: reviewed by expert panel (3 of 4 stars). 5 submissions from 5 submitters: Pathogenic (1). 4 of the submissions do not count toward it. Last evaluated 2016-09-08.

Conditions:
Hereditary cancer-predisposing syndrome. Also called: Tumor predisposition; Neoplastic Syndromes, Hereditary; Hereditary neoplastic syndrome; Hereditary Cancer Syndrome. Identifiers: Orphanet 140162, MedGen C0027672, MeSH D009386, MONDO:0015356.
Hereditary breast ovarian cancer syndrome. Also called: Hereditary breast and ovarian cancer; Hereditary breast and ovarian cancer syndrome (HBOC); Hereditary breast and/or ovarian cancer syndrome; Breast and ovarian cancer; Hereditary breast and ovarian cancer syndrome; BRCA1- and BRCA2-Associated Hereditary Breast and Ovarian Cancer. Identifiers: Orphanet 145, MedGen C0677776, MeSH D061325, MONDO:0003582. Disease mechanism: loss of function.
Breast-ovarian cancer, familial, susceptibility to, 2 (BROVCA2). Also called: BRCA2 Hereditary Breast and Ovarian Cancer. Identifiers: Orphanet 145, MedGen C2675520, MONDO:0012933, OMIM 612555. Disease mechanism: loss of function.

Submissions (5):

Evidence-based Network for the Interpretation of Germline Mutant Alleles (ENIGMA)
Classification: Pathogenic for Breast-ovarian cancer, familial, susceptibility to, 2. Last evaluated: 2016-09-08. Review status: reviewed by expert panel. Criteria: ENIGMA BRCA1/2 Classification Criteria (2015). Collection method: curation. Allele origin: germline.
Comment: Variant allele predicted to encode a truncated non-functional protein.

Labcorp Genetics (formerly Invitae), Labcorp
Classification: Pathogenic for Hereditary breast ovarian cancer syndrome. Last evaluated: 2025-12-08. Review status: criteria provided, single submitter. Criteria: Invitae Variant Classification Sherloc (09022015). Collection method: clinical testing. Allele origin: germline. Not counted in ClinVar's aggregate classification.
Comment: This sequence change creates a premature translational stop signal (p.Lys1440Argfs*4) in the BRCA2 gene. It is expected to result in an absent or disrupted protein product. Loss-of-function variants in BRCA2 are known to be pathogenic (PMID: 20104584). This variant is not present in population databases (gnomAD no frequency). This premature translational stop signal has been observed in individual(s) with breast cancer (PMID: 28724667). This variant is also known as c.4318_4319del:p.K1440fs. ClinVar contains an entry for this variant (Variation ID: 37894). For these reasons, this variant has been classified as Pathogenic.

Ambry Genetics
Classification: Pathogenic for Hereditary cancer-predisposing syndrome. Last evaluated: 2024-12-20. Review status: criteria provided, single submitter. Criteria: Ambry Variant Classification Scheme 2023. Collection method: clinical testing. Allele origin: germline. Not counted in ClinVar's aggregate classification.
Comment: The c.4319_4320delAA pathogenic mutation, located in coding exon 10 of the BRCA2 gene, results from a deletion of two nucleotides at nucleotide positions 4319 to 4320, causing a translational frameshift with a predicted alternate stop codon (p.K1440Rfs*4). This alteration was detected in a cohort of 8085 consecutive unselected Chinese breast cancer patients who underwent multi-gene panel testing (Sun J et al. Clin Cancer Res, 2017 Oct;23:6113-6119). Additionally, this alteration was identified in a large, worldwide study of BRCA1/2 mutation positive families (Rebbeck TR et al. Hum Mutat, 2018 05;39:593-620). Of note this alteration is also described in the literature as c.4318_4319del. This variant is considered to be rare based on population cohorts in the Genome Aggregation Database (gnomAD). In addition to the clinical data presented in the literature, this alteration is expected to result in loss of function by premature protein truncation or nonsense-mediated mRNA decay. As such, this alteration is interpreted as a disease-causing mutation.

Consortium of Investigators of Modifiers of BRCA1/2 (CIMBA), c/o University of Cambridge
Classification: Pathogenic for Breast-ovarian cancer, familial, susceptibility to, 2. Last evaluated: 2015-10-02. Review status: criteria provided, single submitter. Criteria: CIMBA Mutation Classification guidelines May 2016. Collection method: clinical testing. Allele origin: germline. Not counted in ClinVar's aggregate classification.

Sharing Clinical Reports Project (SCRP)
Classification: Pathogenic for Breast-ovarian cancer, familial 2. Last evaluated: 2008-07-25. Review status: no assertion criteria provided. Collection method: clinical testing. Allele origin: germline. Not counted in ClinVar's aggregate classification.

Literature cited by the submitters: PubMed 20104584 (cited by Labcorp Genetics (formerly Invitae), Labcorp); PubMed 28724667 (cited by Labcorp Genetics (formerly Invitae), Labcorp and Ambry Genetics); PubMed 29446198 (cited by Ambry Genetics).